The following is an entry in ClinVar:

NM_002473.6(MYH9):c.2104C>G (p.Arg702Gly)

Gene: MYH9 (myosin heavy chain 9; minus strand). Cytogenetic location: 22q12.3.
Variant type: single nucleotide variant.
Coding change: c.2104C>G on transcript NM_002473.6 (MANE Select); coding-DNA position 2104, C replaced by G.
Protein change: p.Arg702Gly; replaces arginine 702 with glycine.
Molecular consequence: missense variant.
Genome position (GRCh38, 1-based): chr22:36,305,985, G>C on the plus strand (C>G on the coding strand, the complement: MYH9 is on the minus strand). VCF-style: chr22-36305985-G-C. GRCh37 (hg19) VCF-style: chr22-36702031-G-C.
Other names: short protein forms R702G.
Identifiers: ClinVar variation 2000225 (VCV002000225.5), dbSNP rs80338826, ClinGen allele CA411397434.

ClinVar aggregate classification (germline): Pathogenic/Likely pathogenic. Review status: criteria provided, multiple submitters, no conflicts (2 of 4 stars). 2 submissions from 2 submitters: Pathogenic (1); Likely pathogenic (1). Last evaluated 2022-07-22.

Conditions:
MYH9-related disorder. Identifiers: MedGen C1854520.

Submissions (2):

Labcorp Genetics (formerly Invitae), Labcorp
Classification: Pathogenic. Last evaluated: 2022-07-22. Review status: criteria provided, single submitter. Criteria: Invitae Variant Classification Sherloc (09022015). Collection method: clinical testing. Allele origin: germline.
Comment: This variant is not present in population databases (gnomAD no frequency). This sequence change replaces arginine, which is basic and polar, with glycine, which is neutral and non-polar, at codon 702 of the MYH9 protein (p.Arg702Gly). This missense change has been observed in individual(s) with clinical features of MYH9-related disorders (PMID: 22806255; Invitae). In at least one individual the variant was observed to be de novo. Algorithms developed to predict the effect of missense changes on protein structure and function (SIFT, PolyPhen-2, Align-GVGD) all suggest that this variant is likely to be disruptive. This variant disrupts the p.Arg702 amino acid residue in MYH9. Other variant(s) that disrupt this residue have been determined to be pathogenic (PMID: 11590545, 11935325, 26387855). This suggests that this residue is clinically significant, and that variants that disrupt this residue are likely to be disease-causing. For these reasons, this variant has been classified as Pathogenic.

Blueprint Genetics
Classification: Likely pathogenic for MYH9-related disorders. Last evaluated: 2021-05-24. Review status: criteria provided, single submitter. Criteria: ACMG Guidelines, 2015. Collection method: clinical testing. Allele origin: germline. Affected: yes. Observed: 1 variant allele.

Literature cited by the submitters: PubMed 22806255 (cited by Labcorp Genetics (formerly Invitae), Labcorp); PubMed 11590545 (cited by Labcorp Genetics (formerly Invitae), Labcorp); PubMed 11935325 (cited by Labcorp Genetics (formerly Invitae), Labcorp); PubMed 26387855 (cited by Labcorp Genetics (formerly Invitae), Labcorp).